The following is an entry in ClinVar:

NM_014159.7(SETD2):c.1102C>T (p.Arg368Ter)

Gene: SETD2 (SET domain containing 2, histone lysine methyltransferase; minus strand). Cytogenetic location: 3p21.31.
Variant type: single nucleotide variant.
Coding change: c.1102C>T on transcript NM_014159.7 (MANE Select); coding-DNA position 1102, C replaced by T.
Protein change: p.Arg368Ter; replaces arginine 368 with a stop codon.
Molecular consequence: nonsense. On other transcripts: non-coding transcript variant (1).
Genome position (GRCh38, 1-based): chr3:47,123,534, G>A on the plus strand (C>T on the coding strand, the complement: SETD2 is on the minus strand). VCF-style: chr3-47123534-G-A. GRCh37 (hg19) VCF-style: chr3-47165024-G-A.
Other names: c.970C>T, p.Arg324Ter (NM_001349370.3); short protein forms R324*, R368*.
Identifiers: ClinVar variation 4081048 (VCV004081048.2), dbSNP rs2043195907.

ClinVar aggregate classification (germline): Pathogenic. Review status: criteria provided, multiple submitters, no conflicts (2 of 4 stars). 2 submissions from 2 submitters: Pathogenic (2). Last evaluated 2026-04-16.

Submissions (2):

GeneDx
Classification: Pathogenic. Last evaluated: 2026-04-16. Review status: criteria provided, single submitter. Criteria: GeneDx Variant Classification Process June 2021. Collection method: clinical testing. Allele origin: germline.
Comment: Nonsense variant predicted to result in protein truncation or nonsense mediated decay in a gene for which loss of function is a known mechanism of disease; Identified in a patient with a Luscan-Lumish syndrome phenotype in published literature; however, clinical details and inheritance were not provided (PMID: 37025455); Not observed at significant frequency in large population cohorts (gnomAD); This variant is associated with the following publications: (PMID: 37025455)

Revvity Omics, Revvity
Classification: Pathogenic. Last evaluated: 2020-02-18. Review status: criteria provided, single submitter. Criteria: ACMG Guidelines, 2015. Collection method: clinical testing. Allele origin: germline.